The following is an entry in ClinVar:

ClinVar aggregate classification (germline): not provided (0 of 4 stars; one submission).

Conditions:
Hypomyelination and Congenital Cataract (HLD5). Also called: hypomyelinating leukodystrophy 5. Identifiers: Orphanet 85163, MedGen C1864663, MONDO:0012514, OMIM 610532.

Submission:

ClinVar Staff, National Center for Biotechnology Information (NCBI)
No classification provided. Condition: Hypomyelination and Congenital Cataract. Review status: no classification provided. Collection method: not provided. Allele origin: unknown.
Comment: Affects a spice site.

NM_032581.4(HYCC1):c.414+1G>C

Gene: HYCC1 (hyccin PI4KA lipid kinase complex subunit 1; minus strand). Cytogenetic location: 7p15.3.
Variant type: single nucleotide variant.
Coding change: c.414+1G>C on transcript NM_032581.4 (MANE Select); the canonical splice donor site of the intron after coding-DNA position 414, G replaced by C.
Molecular consequence: splice donor variant.
Genome position (GRCh38, 1-based): chr7:22,977,340, C>G on the plus strand (G>C on the coding strand, the complement: HYCC1 is on the minus strand). VCF-style: chr7-22977340-C-G. GRCh37 (hg19) VCF-style: chr7-23016959-C-G.
Other names: c.414+1G>C (NM_001363467.2, NM_001363466.2).
Identifiers: ClinVar variation 156348 (VCV000156348.1), dbSNP rs72549406, ClinGen allele CA270761.